The following is an entry in ClinVar:

NM_006005.3(WFS1):c.2158A>G (p.Ile720Val)

Gene: WFS1 (wolframin ER transmembrane glycoprotein; plus strand). Cytogenetic location: 4p16.1.
Variant type: single nucleotide variant.
Coding change: c.2158A>G on transcript NM_006005.3 (MANE Select); coding-DNA position 2158, A replaced by G.
Protein change: p.Ile720Val; replaces isoleucine 720 with valine.
Molecular consequence: missense variant.
Genome position (GRCh38, 1-based): chr4:6,301,953, A>G. VCF-style: chr4-6301953-A-G. GRCh37 (hg19) VCF-style: chr4-6303680-A-G.
Other names: p.I720V:ATC>GTC; c.2158A>G, p.Ile720Val (NM_001145853.1); short protein forms I720V.
Identifiers: ClinVar variation 137919 (VCV000137919.37), dbSNP rs1805070, ClinGen allele CA295580.

ClinVar aggregate classification (germline): Benign/Likely benign. Review status: criteria provided, multiple submitters, no conflicts (2 of 4 stars). 11 submissions from 11 submitters: Benign (9); Likely benign (2). Last evaluated 2026-02-01.

Conditions:
Diabetes mellitus. Also called: Diabetes mellitus (disease). Identifiers: MedGen C0011849, MONDO:0005015, HP:0000819.
Monogenic diabetes. Identifiers: Orphanet 183625, MedGen C3888631, MONDO:0015967.
WFS1-Related Spectrum Disorders.
Wolfram-like syndrome. Also called: HEARING LOSS, PROGRESSIVE, WITH OPTIC ATROPHY AND/OR IMPAIRED GLUCOSE REGULATION. Identifiers: Orphanet 411590, MedGen C3280358, MONDO:0013673, OMIM 614296.
Autosomal dominant nonsyndromic hearing loss 6 (LFSNHL). Also called: Autosomal dominant nonsyndromic deafness 6; DEAFNESS, AUTOSOMAL DOMINANT 6; DEAFNESS, AUTOSOMAL DOMINANT 14; DEAFNESS, AUTOSOMAL DOMINANT 38. Identifiers: Orphanet 90635, MedGen C1833021, MONDO:0010963, OMIM 600965.
Type 2 diabetes mellitus. Also called: Type II diabetes mellitus. Identifiers: MedGen C0011860, MeSH D003924, MONDO:0005148, OMIM 125853, HP:0005978.
Cataract 41 (CTRCT41). Also called: CATARACT 41, CONGENITAL NUCLEAR TYPE. Identifiers: Orphanet 91492, Orphanet 98991, Orphanet 98992, Orphanet 98995, MedGen C3805412, MONDO:0007287, OMIM 116400.
Wolfram syndrome 1 (WFS1). Identifiers: Orphanet 3463, MedGen C4551693, MONDO:0009101, OMIM 222300.

Allele frequency attached by ClinVar (database versions not stated): ESP Exome Variant Server 0.00031; TOPMed 0.00325; 1000 Genomes Project 30x 0.01280; 1000 Genomes Project 0.01498.
gnomAD v4.1: 5,934 of 1,612,836 alleles (0.37%); highest among the groups gnomAD compares: East Asian, 6.9%; 149 homozygotes.

Submissions (11):

Labcorp Genetics (formerly Invitae), Labcorp
Classification: Benign. Last evaluated: 2026-02-01. Review status: criteria provided, single submitter. Criteria: Invitae Variant Classification Sherloc (09022015). Collection method: clinical testing. Allele origin: germline.

Mayo Clinic Laboratories, Mayo Clinic
Classification: Benign. Last evaluated: 2025-06-02. Review status: criteria provided, single submitter. Criteria: ACMG Guidelines, 2015. Collection method: clinical testing. Allele origin: germline. Observed: 3 variant alleles.
Comment: BA1, BS2

ARUP Laboratories, Molecular Genetics and Genomics, ARUP Laboratories
Classification: Benign. Last evaluated: 2025-04-07. Review status: criteria provided, single submitter. Criteria: ARUP Molecular Germline Variant Investigation Process 2024. Collection method: clinical testing. Allele origin: germline.

Fulgent Genetics
Classification: Likely benign for Cataract 41; Type 2 diabetes mellitus; Wolfram syndrome 1; Autosomal dominant nonsyndromic hearing loss 6; Wolfram-like syndrome. Last evaluated: 2021-11-01. Review status: criteria provided, single submitter. Criteria: ACMG Guidelines, 2015. Collection method: clinical testing. Allele origin: unknown.

Personalized Diabetes Medicine Program, University of Maryland School of Medicine
Classification: Benign for Monogenic diabetes. Last evaluated: 2019-01-25. Review status: criteria provided, single submitter. Criteria: ACMG Guidelines, 2015. Collection method: research. Allele origin: unknown. Observed: 3 variant alleles, 2 heterozygotes, 1 homozygote.
Comment: ACMG criteria: BA1 (5.7% in gnomAD East Asian, 2.1% in EurF), BS2 (32 homozygotes in gnomAD)=benign (REVEL 0.433 + PP3/3 predictors + BP4/7 predictors= conflicting evidence, not using)

Illumina Laboratory Services, Illumina
Classification: Likely benign for WFS1-Related Spectrum Disorders. Last evaluated: 2017-04-27. Review status: criteria provided, single submitter. Criteria: ICSL Variant Classification Criteria 13 December 2019. Collection method: clinical testing. Allele origin: germline.
Comment: This variant was observed as part of a predisposition screen in an ostensibly healthy population. A literature search was performed for the gene, cDNA change, and amino acid change (where applicable). Publications were found based on this search. The evidence from the literature, in combination with allele frequency data from public databases where available, was sufficient to determine this variant is unlikely to cause disease. Therefore, this variant is classified as likely benign.

Eurofins Ntd Llc (ga)
Classification: Benign. Last evaluated: 2017-02-24. Review status: criteria provided, single submitter. Criteria: EGL Classification Definitions 2015. Collection method: clinical testing. Allele origin: germline. Observed: 1 variant allele, 1 heterozygote.

GeneDx
Classification: Benign. Last evaluated: 2014-06-09. Review status: criteria provided, single submitter. Criteria: GeneDx Variant Classification (06012015). Collection method: clinical testing. Allele origin: germline. Affected: yes.
Comment: This variant is considered likely benign or benign based on one or more of the following criteria: it is a conservative change, it occurs at a poorly conserved position in the protein, it is predicted to be benign by multiple in silico algorithms, and/or has population frequency not consistent with disease.

Laboratory for Molecular Medicine, Mass General Brigham Personalized Medicine
Classification: Benign. Last evaluated: 2012-05-07. Review status: criteria provided, single submitter. Criteria: LMM Criteria. Collection method: clinical testing. Allele origin: germline. Observed: 11 variant alleles.
Comment: Ile720Val in Exon 08 of WFS1: This variant is not expected to have clinical sign ificance because it has been identified in 12.2% (11/90) of chromosomes from a p opulation in the dbSNP database (rs180 5070).

Clinical Genomics, Uppaluri K&H Personalized Medicine Clinic
Classification: Benign for Diabetes mellitus. Review status: criteria provided, single submitter. Criteria: K & H Uppaluri Personalized Medicine Clinic Variant Classification & Assertion Criteria_Updated V.1. Collection method: research. Allele origin: unknown. Inheritance: Autosomal dominant inheritance.
Comment: Potent mutations of WFS1 gene are associated with Wolfram's syndrome, an autosomal recessive condition, which cause diabetes mellitus, diabetes insipidus, deafness and optic atrophy. Though rs1805070 is prevalent in Type I Diabetes Mellitus cases, more evidence is required to ascertain the significance.

PreventionGenetics, part of Exact Sciences
Classification: Benign. Review status: criteria provided, single submitter. Criteria: ACMG Guidelines, 2015. Collection method: clinical testing. Allele origin: germline.

Literature cited by the submitters: PubMed 10679252 (cited by Illumina Laboratory Services, Illumina and Clinical Genomics, Uppaluri K&H Personalized Medicine Clinic); PubMed 12955714 (cited by Clinical Genomics, Uppaluri K&H Personalized Medicine Clinic).